The following is an entry in ClinVar:

NM_001134665.3(TRMT10A):c.205C>T (p.Arg69Cys)

Gene: TRMT10A (tRNA methyltransferase 10A; minus strand). Cytogenetic location: 4q23.
Variant type: single nucleotide variant.
Coding change: c.205C>T on transcript NM_001134665.3 (MANE Select); coding-DNA position 205, C replaced by T.
Protein change: p.Arg69Cys; replaces arginine 69 with cysteine.
Molecular consequence: missense variant.
Genome position (GRCh38, 1-based): chr4:99,558,192, G>A on the plus strand (C>T on the coding strand, the complement: TRMT10A is on the minus strand). VCF-style: chr4-99558192-G-A. GRCh37 (hg19) VCF-style: chr4-100479349-G-A.
Other names: c.205C>T, p.Arg69Cys (NM_001134666.3, NM_001375880.1, NM_001375881.1 and 2 more transcripts); c.205C>T (NM_152292.4); short protein forms R69C.
Identifiers: ClinVar variation 1522231 (VCV001522231.5), dbSNP rs200328690, ClinGen allele CA3021605.

ClinVar aggregate classification (germline): Uncertain significance. Review status: criteria provided, multiple submitters, no conflicts (2 of 4 stars). 2 submissions from 2 submitters: Uncertain significance (2). Last evaluated 2024-10-09.

Conditions:
Inborn genetic diseases. Identifiers: MedGen C0950123, MeSH D030342.

Allele frequency attached by ClinVar (database versions not stated): ExAC 0.00003; 1000 Genomes Project 0.00020; 1000 Genomes Project 30x 0.00016; gnomAD exomes 0.00003; gnomAD 0.00003.

Submissions (2):

Ambry Genetics
Classification: Uncertain significance for Inborn genetic diseases. Last evaluated: 2024-10-09. Review status: criteria provided, single submitter. Criteria: Ambry Variant Classification Scheme 2023. Collection method: clinical testing. Allele origin: germline.

Labcorp Genetics (formerly Invitae), Labcorp
Classification: Uncertain significance. Last evaluated: 2022-07-12. Review status: criteria provided, single submitter. Criteria: Invitae Variant Classification Sherloc (09022015). Collection method: clinical testing. Allele origin: germline.
Comment: This variant is present in population databases (rs200328690, gnomAD 0.01%). In summary, the available evidence is currently insufficient to determine the role of this variant in disease. Therefore, it has been classified as a Variant of Uncertain Significance. Algorithms developed to predict the effect of missense changes on protein structure and function (SIFT, PolyPhen-2, Align-GVGD) all suggest that this variant is likely to be disruptive. ClinVar contains an entry for this variant (Variation ID: 1522231). This variant has not been reported in the literature in individuals affected with TRMT10A-related conditions. This sequence change replaces arginine, which is basic and polar, with cysteine, which is neutral and slightly polar, at codon 69 of the TRMT10A protein (p.Arg69Cys).